The following is an entry in ClinVar:

ClinVar aggregate classification (germline): Likely pathogenic. Review status: criteria provided, multiple submitters, no conflicts (2 of 4 stars). 4 submissions from 4 submitters: Likely pathogenic (3). 1 of the submissions does not count toward it. Last evaluated 2026-01-19.

Conditions:
Craniosynostosis-anal anomalies-porokeratosis syndrome (CAP syndrome). Also called: CDAGS syndrome. Identifiers: Orphanet 85199, MedGen C1864186, MONDO:0011287, OMIM 603116.
Spinocerebellar ataxia, autosomal recessive 33 (SCAR33). Identifiers: MedGen C5774297, MONDO:0859360, OMIM 620208.

Allele frequency attached by ClinVar (database versions not stated): 1000 Genomes Project 30x 0.00016; 1000 Genomes Project 0.00020; gnomAD exomes 0.00011.
gnomAD v4.1: 26 of 171,132 alleles (0.015%); highest among the groups gnomAD compares: Non-Finnish European, 0.02%; no homozygotes.

Submissions (4):

Institute of Human Genetics Munich, TUM University Hospital
Classification: Likely pathogenic for Spinocerebellar ataxia, autosomal recessive 33. Last evaluated: 2026-01-19. Review status: criteria provided, single submitter. Criteria: Classification criteria August 2017. Collection method: clinical testing. Allele origin: maternal. Inheritance: Autosomal recessive inheritance. Affected: yes. Observed: 1 variant allele.

Clinical Genetics Laboratory, Skane University Hospital Lund
Classification: Likely pathogenic for Spinocerebellar ataxia, autosomal recessive 33. Last evaluated: 2025-05-13. Review status: criteria provided, single submitter. Criteria: ACMG Guidelines, 2015. Collection method: clinical testing. Allele origin: germline. Inheritance: Autosomal recessive inheritance. Affected: yes.
Comment: ACMG criteria used: PM1, PM2 and PM3. The variant was detected in trans (confirmed in trio) with another likely pathogenic RNU12-variant (n.89A>G).

Institute of Medical Genetics and Applied Genomics, University Hospital Tübingen
Classification: Likely pathogenic for Craniosynostosis-anal anomalies-porokeratosis syndrome. Last evaluated: 2024-10-08. Review status: criteria provided, single submitter. Criteria: ACMG Guidelines, 2015. Collection method: clinical testing. Allele origin: germline. Inheritance: Autosomal recessive inheritance. Affected: yes.
Comment: compound heterozygous with second variant

OMIM
Classification: Pathogenic for CDAGS SYNDROME. Last evaluated: 2023-01-24. Review status: no assertion criteria provided. Collection method: literature only. Allele origin: germline. Not counted in ClinVar's aggregate classification.

Literature cited by the submitters: PubMed 34085356 (cited by OMIM).

NR_029422.2(RNU12):n.86G>A

Gene: RNU12 (RNA, U12 small nuclear; plus strand). Cytogenetic location: 22q13.2.
Variant type: single nucleotide variant.
Molecular consequence: non-coding transcript variant (on NR_029422.2).
Genome position: GRCh38 VCF-style: chr22-42615329-G-A. GRCh37 (hg19) VCF-style: chr22-43011335-G-A.
Identifiers: ClinVar variation 2443784 (VCV002443784.3), dbSNP rs548281798, ClinGen allele CA324729838.
Genomic context (GRCh38, chr22:42,615,329, plus strand): 5'-AATAACGATTCGGGGTGACGCCCGAATCCTCACTGCTAATGTGAGACGAATTTTTGAGCG[G>A]GTAAAGGTCGCCCTCAAGGTGACCCGCCTACTTTGCGGGATGCCTGGGAGTTGCGATCTG-3'